The following is an entry in ClinVar:

NM_000143.4(FH):c.154A>T (p.Ile52Leu)

Gene: FH (fumarate hydratase; minus strand). Cytogenetic location: 1q43.
Variant type: single nucleotide variant.
Coding change: c.154A>T on transcript NM_000143.4 (MANE Select); coding-DNA position 154, A replaced by T.
Protein change: p.Ile52Leu; replaces isoleucine 52 with leucine.
Molecular consequence: missense variant.
Genome position (GRCh38, 1-based): chr1:241,517,295, T>A on the plus strand (A>T on the coding strand, the complement: FH is on the minus strand). VCF-style: chr1-241517295-T-A. GRCh37 (hg19) VCF-style: chr1-241680595-T-A.
Other names: short protein forms I52L.
Identifiers: ClinVar variation 485557 (VCV000485557.18), dbSNP rs543844061, ClinGen allele CA1478757.

ClinVar aggregate classification (germline): Uncertain significance. Review status: criteria provided, multiple submitters, no conflicts (2 of 4 stars). 4 submissions from 4 submitters: Uncertain significance (3). 1 of the submissions does not count toward it. Last evaluated 2026-01-28.

Conditions:
Hereditary cancer-predisposing syndrome. Also called: Tumor predisposition; Hereditary neoplastic syndrome; Neoplastic Syndromes, Hereditary; Hereditary Cancer Syndrome. Identifiers: Orphanet 140162, MedGen C0027672, MeSH D009386, MONDO:0015356.
Fumarase deficiency (FMRD). Also called: Fumarate Hydratase Deficiency; Fumaric aciduria. Identifiers: Orphanet 24, MedGen C0342770, MONDO:0011730, OMIM 606812.

Allele frequency attached by ClinVar (database versions not stated): gnomAD exomes below 0.00001 and 0.00001; 1000 Genomes Project 0.00020; 1000 Genomes Project 30x 0.00016; TOPMed below 0.00001; ExAC 0.00001; gnomAD 0.00001.
gnomAD v4.1: 11 of 1,614,076 alleles (0.00068%); highest among the groups gnomAD compares: Middle Eastern, 0.016%; no homozygotes.

Submissions (4):

Labcorp Genetics (formerly Invitae), Labcorp
Classification: Uncertain significance. Last evaluated: 2026-01-28. Review status: criteria provided, single submitter. Criteria: Invitae Variant Classification Sherloc (09022015). Collection method: clinical testing. Allele origin: germline.
Comment: This sequence change replaces isoleucine, which is neutral and non-polar, with leucine, which is neutral and non-polar, at codon 52 of the FH protein (p.Ile52Leu). This variant is present in population databases (rs543844061, gnomAD 0.0009%). This variant has not been reported in the literature in individuals affected with FH-related conditions. ClinVar contains an entry for this variant (Variation ID: 485557). Invitae Evidence Modeling of protein sequence and biophysical properties (such as structural, functional, and spatial information, amino acid conservation, physicochemical variation, residue mobility, and thermodynamic stability) indicates that this missense variant is not expected to disrupt FH protein function with a negative predictive value of 80%. RNA analysis performed to evaluate the impact of this missense change on mRNA splicing indicates it does not significantly alter splicing (internal data). In summary, the available evidence is currently insufficient to determine the role of this variant in disease. Therefore, it has been classified as a Variant of Uncertain Significance.

Dasa
Classification: Uncertain significance. Last evaluated: 2024-12-18. Review status: criteria provided, single submitter. Criteria: DASA Assertion Criteria. Collection method: clinical testing. Allele origin: germline.
Comment: NM_000143.4(FH):c.154A>T (p.Ile52Leu) is a missense variant that results in the substitution of isoleucine with leucine. This variant is rare in population databases. The currently available literature and clinical evidence are not sufficient to establish a definitive association between this variant and the reported condition. Therefore, this variant is classified as a variant of uncertain significance.

Ambry Genetics
Classification: Uncertain significance for Hereditary cancer-predisposing syndrome. Last evaluated: 2024-09-12. Review status: criteria provided, single submitter. Criteria: Ambry Variant Classification Scheme 2023. Collection method: clinical testing. Allele origin: germline.
Comment: The p.I52L variant (also known as c.154A>T), located in coding exon 2 of the FH gene, results from an A to T substitution at nucleotide position 154. The isoleucine at codon 52 is replaced by leucine, an amino acid with highly similar properties. This amino acid position is not well conserved in available vertebrate species. In addition, this alteration is predicted to be tolerated by in silico analysis. Based on the available evidence, the clinical significance of this variant remains unclear.

Natera, Inc.
Classification: Uncertain significance for Fumarase deficiency. Last evaluated: 2020-01-17. Review status: no assertion criteria provided. Collection method: clinical testing. Allele origin: germline. Not counted in ClinVar's aggregate classification.